The following is an entry in ClinVar:

ClinVar aggregate classification (germline): Uncertain significance. Review status: criteria provided, multiple submitters, no conflicts (2 of 4 stars). 2 submissions from 2 submitters: Uncertain significance (2). Last evaluated 2023-11-09.

Conditions:
Inborn genetic diseases. Identifiers: MedGen C0950123, MeSH D030342.

Allele frequency attached by ClinVar (database versions not stated): gnomAD exomes 0.00002; ExAC 0.00003; TOPMed 0.00007; 1000 Genomes Project 0.00040; gnomAD 0.00007; 1000 Genomes Project 30x 0.00016.
gnomAD v4.1: 40 of 1,612,782 alleles (0.0025%); highest among the groups gnomAD compares: African/African-American, 0.019%; no homozygotes.

Submissions (2):

GeneDx
Classification: Uncertain significance. Last evaluated: 2023-11-09. Review status: criteria provided, single submitter. Criteria: GeneDx Variant Classification Process June 2021. Collection method: clinical testing. Allele origin: germline. Affected: yes.
Comment: In silico analysis supports that this missense variant has a deleterious effect on protein structure/function; Has not been previously published as pathogenic or benign to our knowledge

Ambry Genetics
Classification: Uncertain significance for Inborn genetic diseases. Last evaluated: 2023-09-12. Review status: criteria provided, single submitter. Criteria: Ambry Variant Classification Scheme 2023. Collection method: clinical testing. Allele origin: germline.

NM_001379659.1(ZNF142):c.1555C>T (p.Arg519Cys)

Gene: ZNF142 (zinc finger protein 142; minus strand). Cytogenetic location: 2q35.
Variant type: single nucleotide variant.
Coding change: c.1555C>T on transcript NM_001379659.1 (MANE Select); coding-DNA position 1555, C replaced by T.
Protein change: p.Arg519Cys; replaces arginine 519 with cysteine.
Molecular consequence: missense variant.
Genome position (GRCh38, 1-based): chr2:218,648,953, G>A on the plus strand (C>T on the coding strand, the complement: ZNF142 is on the minus strand). VCF-style: chr2-218648953-G-A. GRCh37 (hg19) VCF-style: chr2-219513676-G-A.
Other names: c.466C>T, p.Arg156Cys (NM_001366289.3, NM_001366287.3, NM_001366288.3); c.1555C>T, p.Arg519Cys (NM_001366290.3, NM_001379660.1, NM_001379661.1); c.955C>T, p.Arg319Cys (NM_001366291.3, NM_001379662.1, NM_001105537.5); short protein forms R319C, R156C, R519C.
Identifiers: ClinVar variation 2601054 (VCV002601054.3), dbSNP rs201051795, ClinGen allele CA2109355.